The following is an entry in ClinVar:

ClinVar aggregate classification (germline): Benign. Review status: criteria provided, multiple submitters, no conflicts (2 of 4 stars). 3 submissions from 3 submitters: Benign (2). 1 of the submissions does not count toward it. Last evaluated 2025-10-06.

Conditions:
ST14-related disorder. Also called: ST14-related condition.

Allele frequency attached by ClinVar (database versions not stated): 1000 Genomes Project 30x 0.00078; 1000 Genomes Project 0.00080; ESP Exome Variant Server 0.00085; ExAC 0.00112; gnomAD exomes 0.00116; gnomAD 0.00127 and 0.00137; TOPMed 0.00167.
gnomAD v4.1: 1,194 of 1,613,912 alleles (0.074%); highest among the groups gnomAD compares: Admixed American, 0.4%; 4 homozygotes.

Submissions (3):

Labcorp Genetics (formerly Invitae), Labcorp
Classification: Benign. Last evaluated: 2025-10-06. Review status: criteria provided, single submitter. Criteria: Invitae Variant Classification Sherloc (09022015). Collection method: clinical testing. Allele origin: germline.

Breakthrough Genomics
Classification: Benign. Review status: criteria provided, single submitter. Criteria: ACMG Guidelines, 2015. Collection method: not provided. Allele origin: germline. Inheritance: Autosomal recessive inheritance. Affected: yes.

PreventionGenetics, part of Exact Sciences
Classification: Likely benign for ST14-related condition. Last evaluated: 2020-02-25. Review status: no assertion criteria provided. Collection method: clinical testing. Allele origin: germline. Not counted in ClinVar's aggregate classification.
Comment: This variant is classified as likely benign based on ACMG/AMP sequence variant interpretation guidelines (Richards et al. 2015 PMID: 25741868, with internal and published modifications).

NM_021978.4(ST14):c.512G>A (p.Arg171His)

Gene: ST14 (ST14 transmembrane serine protease matriptase; plus strand). Cytogenetic location: 11q24.3.
Variant type: single nucleotide variant.
Coding change: c.512G>A on transcript NM_021978.4 (MANE Select); coding-DNA position 512, G replaced by A.
Protein change: p.Arg171His; replaces arginine 171 with histidine.
Molecular consequence: missense variant.
Genome position (GRCh38, 1-based): chr11:130,189,810, G>A. VCF-style: chr11-130189810-G-A. GRCh37 (hg19) VCF-style: chr11-130059705-G-A.
Other names: short protein forms R171H.
Identifiers: ClinVar variation 730960 (VCV000730960.10), dbSNP rs148221080, ClinGen allele CA6363617.